The following is an entry in ClinVar:

ClinVar aggregate classification (germline): Uncertain significance (1 of 4 stars; one submission).

Conditions:
Agammaglobulinemia 3, autosomal recessive (AGM3). Also called: AGAMMAGLOBULINEMIA 3; AGAMMAGLOBULINEMIA, AUTOSOMAL RECESSIVE, DUE TO CD79A DEFECT. Identifiers: MedGen C3150751, MONDO:0013288, OMIM 613501.

Allele frequency attached by ClinVar (database versions not stated): gnomAD exomes 0.00002; ESP Exome Variant Server 0.00008; ExAC 0.00002; TOPMed 0.00001.
gnomAD v4.1: 29 of 1,613,016 alleles (0.0018%); highest among the groups gnomAD compares: Middle Eastern, 0.033%; no homozygotes.

Submission:

Labcorp Genetics (formerly Invitae), Labcorp
Classification: Uncertain significance for Agammaglobulinemia 3, autosomal recessive. Last evaluated: 2025-12-29. Review status: criteria provided, single submitter. Criteria: Invitae Variant Classification Sherloc (09022015). Collection method: clinical testing. Allele origin: germline.
Comment: This sequence change falls in intron 1 of the CD79A gene. It does not directly change the encoded amino acid sequence of the CD79A protein. It affects a nucleotide within the consensus splice site. This variant is present in population databases (rs377608483, gnomAD 0.02%). This variant has not been reported in the literature in individuals affected with CD79A-related conditions. ClinVar contains an entry for this variant (Variation ID: 2184051). Variants that disrupt the consensus splice site are a relatively common cause of aberrant splicing (PMID: 17576681, 9536098). Algorithms developed to predict the effect of sequence changes on RNA splicing suggest that this variant is not likely to affect RNA splicing. In summary, the available evidence is currently insufficient to determine the role of this variant in disease. Therefore, it has been classified as a Variant of Uncertain Significance.

Literature cited by the submitters: PubMed 17576681; PubMed 9536098.

NM_001783.4(CD79A):c.79+6T>C

Genes: CD79A (CD79a molecule; plus strand), RPS19-CD79A (RPS19-CD79A readthrough; plus strand). Cytogenetic location: 19q13.2.
Variant type: single nucleotide variant.
Coding change: c.79+6T>C on transcript NM_001783.4 (MANE Select); 6 bases into the intron after coding-DNA position 79, T replaced by C.
Molecular consequence: intron variant.
Genome position (GRCh38, 1-based): chr19:41,877,389, T>C. VCF-style: chr19-41877389-T-C. GRCh37 (hg19) VCF-style: chr19-42381459-T-C.
Other names: c.79+6T>C (NM_021601.4).
Identifiers: ClinVar variation 2184051 (VCV002184051.2), dbSNP rs377608483, ClinGen allele CA9465493.